The following is an entry in ClinVar:

ClinVar aggregate classification (germline): Uncertain significance. Review status: criteria provided, multiple submitters, no conflicts (2 of 4 stars). 2 submissions from 2 submitters: Uncertain significance (2). Last evaluated 2026-01-13.

Conditions:
Hereditary cancer-predisposing syndrome. Also called: Tumor predisposition; Hereditary neoplastic syndrome; Hereditary Cancer Syndrome; Neoplastic Syndromes, Hereditary. Identifiers: Orphanet 140162, MedGen C0027672, MeSH D009386, MONDO:0015356.

Submissions (2):

Ambry Genetics
Classification: Uncertain significance for Hereditary cancer-predisposing syndrome. Last evaluated: 2026-01-13. Review status: criteria provided, single submitter. Criteria: Ambry Variant Classification Scheme 2023. Collection method: clinical testing. Allele origin: germline.
Comment: The p.P1772A variant (also known as c.5314C>G), located in coding exon 15 of the APC gene, results from a C to G substitution at nucleotide position 5314. The proline at codon 1772 is replaced by alanine, an amino acid with highly similar properties. This amino acid position is conserved. In addition, in silico predictors for this gene do not accurately predict pathogenicity. Based on the available evidence, the clinical significance of this variant remains unclear.

Color Diagnostics, LLC DBA Color Health
Classification: Uncertain significance for Hereditary cancer-predisposing syndrome. Last evaluated: 2023-12-04. Review status: criteria provided, single submitter. Criteria: ACMG Guidelines, 2015. Collection method: clinical testing. Allele origin: germline.
Comment: This missense variant replaces proline with alanine at codon 1772 of the APC protein. Computational prediction tools and conservation analyses are inconclusive regarding the impact of this variant on protein structure and function. Splice site prediction tools suggest that this variant may not impact RNA splicing. To our knowledge, functional studies have not been performed for this variant. This variant has not been reported in individuals affected with hereditary cancer in the literature. This variant has not been identified in the general population by the Genome Aggregation Database (gnomAD). The available evidence is insufficient to determine the role of this variant in disease conclusively. Therefore, this variant is classified as a Variant of Uncertain Significance.

NM_000038.6(APC):c.5314C>G (p.Pro1772Ala)

Gene: APC (APC regulator of Wnt signaling pathway; plus strand). Cytogenetic location: 5q22.2.
Variant type: single nucleotide variant.
Coding change: c.5314C>G on transcript NM_000038.6 (MANE Select); coding-DNA position 5314, C replaced by G.
Protein change: p.Pro1772Ala; replaces proline 1772 with alanine.
Molecular consequence: missense variant.
Genome position (GRCh38, 1-based): chr5:112,840,908, C>G. VCF-style: chr5-112840908-C-G. GRCh37 (hg19) VCF-style: chr5-112176605-C-G.
Other names: c.5314C>G, p.Pro1772Ala (NM_001127510.3, NM_001354895.2); c.5260C>G, p.Pro1754Ala (NM_001127511.3); c.5368C>G, p.Pro1790Ala (NM_001354896.2); c.5344C>G, p.Pro1782Ala (NM_001354897.2); c.5239C>G, p.Pro1747Ala (NM_001354898.2); c.5230C>G, p.Pro1744Ala (NM_001354899.2); c.5191C>G, p.Pro1731Ala (NM_001354900.2); c.5137C>G, p.Pro1713Ala (NM_001354901.2); and 5 more; short protein forms P1489A, P1646A, P1713A, P1731A, P1747A, P1671A, P1754A, P1790A.
Identifiers: ClinVar variation 918566 (VCV000918566.6), dbSNP rs1554086631, ClinGen allele CA16032952.